The following is an entry in ClinVar:

NM_001037333.3(CYFIP2):c.3446+6T>C

Genes: CYFIP2 (cytoplasmic FMR1 interacting protein 2; plus strand), NIPAL4-DT (NIPAL4 divergent transcript; minus strand). Cytogenetic location: 5q33.3.
Variant type: single nucleotide variant.
Coding change: c.3446+6T>C on transcript NM_001037333.3 (MANE Select); 6 bases into the intron after coding-DNA position 3446, T replaced by C.
Molecular consequence: intron variant.
Genome position (GRCh38, 1-based): chr5:157,389,433, T>C. VCF-style: chr5-157389433-T-C. GRCh37 (hg19) VCF-style: chr5-156816441-T-C.
Other names: c.3521+6T>C (NM_001291722.2); c.3368+6T>C (NM_001291721.2); c.3446+6T>C (NM_014376.4).
Identifiers: ClinVar variation 4778978 (VCV004778978.1).

ClinVar aggregate classification (germline): Uncertain significance (1 of 4 stars; one submission).

gnomAD v4.1: 8 of 1,573,306 alleles (0.00051%); highest among the groups gnomAD compares: African/African-American, 0.0094%; no homozygotes.

Submission:

Labcorp Genetics (formerly Invitae), Labcorp
Classification: Uncertain significance. Last evaluated: 2025-07-14. Review status: criteria provided, single submitter. Criteria: Invitae Variant Classification Sherloc (09022015). Collection method: clinical testing. Allele origin: germline.
Comment: This sequence change falls in intron 29 of the CYFIP2 gene. It does not directly change the encoded amino acid sequence of the CYFIP2 protein. It affects a nucleotide within the consensus splice site. This variant is not present in population databases (gnomAD no frequency). This variant has not been reported in the literature in individuals affected with CYFIP2-related conditions. Variants that disrupt the consensus splice site are a relatively common cause of aberrant splicing (PMID: 17576681, 9536098). Algorithms developed to predict the effect of sequence changes on RNA splicing suggest that this variant is not likely to affect RNA splicing. In summary, the available evidence is currently insufficient to determine the role of this variant in disease. Therefore, it has been classified as a Variant of Uncertain Significance.

Literature cited by the submitters: PubMed 17576681; PubMed 9536098.